The following is an entry in ClinVar:

ClinVar aggregate classification (germline): Uncertain significance (1 of 4 stars; one submission).

Allele frequency attached by ClinVar (database versions not stated): gnomAD exomes below 0.00001.
gnomAD v4.1: 1 of 1,614,108 alleles (0.000062%); highest among the groups gnomAD compares: Non-Finnish European, 0.000085%; no homozygotes.

Submission:

Labcorp Genetics (formerly Invitae), Labcorp
Classification: Uncertain significance. Last evaluated: 2021-07-30. Review status: criteria provided, single submitter. Criteria: Invitae Variant Classification Sherloc (09022015). Collection method: clinical testing. Allele origin: germline.
Comment: In summary, the available evidence is currently insufficient to determine the role of this variant in disease. Therefore, it has been classified as a Variant of Uncertain Significance. Algorithms developed to predict the effect of missense changes on protein structure and function are either unavailable or do not agree on the potential impact of this missense change (SIFT: "Deleterious"; PolyPhen-2: "Benign"; Align-GVGD: "Class C0"). This variant has not been reported in the literature in individuals affected with MYO5B-related conditions. This variant is not present in population databases (ExAC no frequency). This sequence change replaces glutamic acid with lysine at codon 715 of the MYO5B protein (p.Glu715Lys). The glutamic acid residue is moderately conserved and there is a small physicochemical difference between glutamic acid and lysine.

NM_001080467.3(MYO5B):c.2143G>A (p.Glu715Lys)

Gene: MYO5B (myosin VB; minus strand). Cytogenetic location: 18q21.1.
Variant type: single nucleotide variant.
Coding change: c.2143G>A on transcript NM_001080467.3 (MANE Select); coding-DNA position 2143, G replaced by A.
Protein change: p.Glu715Lys; replaces glutamic acid 715 with lysine.
Molecular consequence: missense variant.
Genome position (GRCh38, 1-based): chr18:49,912,121, C>T on the plus strand (G>A on the coding strand, the complement: MYO5B is on the minus strand). VCF-style: chr18-49912121-C-T. GRCh37 (hg19) VCF-style: chr18-47438491-C-T.
Other names: short protein forms E715K.
Identifiers: ClinVar variation 1446232 (VCV001446232.6), dbSNP rs2144161362, ClinGen allele CA402439146.